The following is an entry in ClinVar:

NM_018418.5(SPATA7):c.937G>A (p.Ala313Thr)

Gene: SPATA7 (spermatogenesis associated 7; plus strand). Cytogenetic location: 14q31.3.
Variant type: single nucleotide variant.
Coding change: c.937G>A on transcript NM_018418.5 (MANE Select); coding-DNA position 937, G replaced by A.
Protein change: p.Ala313Thr; replaces alanine 313 with threonine.
Molecular consequence: missense variant.
Genome position (GRCh38, 1-based): chr14:88,429,372, G>A. VCF-style: chr14-88429372-G-A. GRCh37 (hg19) VCF-style: chr14-88895716-G-A.
Other names: c.841G>A, p.Ala281Thr (NM_001040428.4); short protein forms A281T, A313T.
Identifiers: ClinVar variation 886686 (VCV000886686.11), dbSNP rs143812944, ClinGen allele CA7298655.

ClinVar aggregate classification (germline): Conflicting classifications of pathogenicity. Review status: criteria provided, conflicting classifications (1 of 4 stars). 6 submissions from 5 submitters: Uncertain significance (5); Likely benign (1). Last evaluated 2025-09-02.

Conditions:
Retinitis pigmentosa (RP). Identifiers: Orphanet 791, MedGen C0035334, MeSH D012174, MONDO:0019200, OMIM 268000. Inheritance: Autosomal dominant, autosomal recessive and X linked inheritance.
Inborn genetic diseases. Identifiers: MedGen C0950123, MeSH D030342.
Leber congenital amaurosis 3 (LCA3). Also called: SPATA7-Related Retinitis Pigmentosa. Identifiers: MedGen C1858677, MONDO:0011415, OMIM 604232.

Allele frequency attached by ClinVar (database versions not stated): ExAC 0.00003; gnomAD exomes 0.00004 and 0.00007; TOPMed 0.00004; gnomAD 0.00007; ESP Exome Variant Server 0.00008.

Submissions (6):

Labcorp Genetics (formerly Invitae), Labcorp
Classification: Uncertain significance for Leber congenital amaurosis 3. Last evaluated: 2025-09-02. Review status: criteria provided, single submitter. Criteria: Invitae Variant Classification Sherloc (09022015). Collection method: clinical testing. Allele origin: germline.
Comment: This sequence change replaces alanine, which is neutral and non-polar, with threonine, which is neutral and polar, at codon 313 of the SPATA7 protein (p.Ala313Thr). This variant is present in population databases (rs143812944, gnomAD 0.008%). This variant has not been reported in the literature in individuals affected with SPATA7-related conditions. ClinVar contains an entry for this variant (Variation ID: 886686). Invitae Evidence Modeling of protein sequence and biophysical properties (such as structural, functional, and spatial information, amino acid conservation, physicochemical variation, residue mobility, and thermodynamic stability) indicates that this missense variant is not expected to disrupt SPATA7 protein function with a negative predictive value of 80%. In summary, the available evidence is currently insufficient to determine the role of this variant in disease. Therefore, it has been classified as a Variant of Uncertain Significance.

Blueprint Genetics
Classification: Uncertain significance. Last evaluated: 2023-07-12. Review status: criteria provided, single submitter. Criteria: ACMG Guidelines, 2015. Collection method: clinical testing. Allele origin: germline.

Ambry Genetics
Classification: Likely benign for Inborn genetic diseases. Last evaluated: 2021-11-12. Review status: criteria provided, single submitter. Criteria: Ambry Variant Classification Scheme 2023. Collection method: clinical testing. Allele origin: germline.

Illumina Laboratory Services, Illumina
Classification: Uncertain significance for Leber congenital amaurosis 3. Last evaluated: 2017-04-27. Review status: criteria provided, single submitter. Criteria: ICSL Variant Classification Criteria 13 December 2019. Collection method: clinical testing. Allele origin: germline.

Illumina Laboratory Services, Illumina
Classification: Uncertain significance for Retinitis pigmentosa. Last evaluated: 2017-04-27. Review status: criteria provided, single submitter. Criteria: ICSL Variant Classification Criteria 13 December 2019. Collection method: clinical testing. Allele origin: germline.

Breakthrough Genomics
Classification: Uncertain significance. Review status: criteria provided, single submitter. Criteria: ACMG Guidelines, 2015. Collection method: not provided. Allele origin: germline. Inheritance: Autosomal recessive inheritance. Affected: yes.